The following is an entry in ClinVar:

ClinVar aggregate classification (germline): Uncertain significance (1 of 4 stars; one submission).

Conditions:
COG1 congenital disorder of glycosylation (CDG2G). Also called: CONGENITAL DISORDER OF GLYCOSYLATION, TYPE IIg; CDG IIg; CDGII/COG1 CEREBROCOSTOMANDIBULAR-LIKE SYNDROME. Identifiers: Orphanet 263508, MedGen C2931011, MONDO:0012637, OMIM 611209.

Allele frequency attached by ClinVar (database versions not stated): ExAC 0.00001; gnomAD 0.00001; gnomAD exomes 0.00001; TOPMed 0.00002.
gnomAD v4.1: 33 of 1,614,090 alleles (0.002%); highest among the groups gnomAD compares: East Asian, 0.0045%; no homozygotes.

Submission:

Labcorp Genetics (formerly Invitae), Labcorp
Classification: Uncertain significance for COG1 congenital disorder of glycosylation. Last evaluated: 2022-07-05. Review status: criteria provided, single submitter. Criteria: Invitae Variant Classification Sherloc (09022015). Collection method: clinical testing. Allele origin: germline.
Comment: This sequence change replaces valine, which is neutral and non-polar, with isoleucine, which is neutral and non-polar, at codon 169 of the COG1 protein (p.Val169Ile). This variant is present in population databases (rs761121843, gnomAD 0.002%). This variant has not been reported in the literature in individuals affected with COG1-related conditions. ClinVar contains an entry for this variant (Variation ID: 1393385). Algorithms developed to predict the effect of missense changes on protein structure and function output the following: SIFT: "Tolerated"; PolyPhen-2: "Benign"; Align-GVGD: "Class C0". The isoleucine amino acid residue is found in multiple mammalian species, which suggests that this missense change does not adversely affect protein function. In summary, the available evidence is currently insufficient to determine the role of this variant in disease. Therefore, it has been classified as a Variant of Uncertain Significance.

NM_018714.3(COG1):c.505G>A (p.Val169Ile)

Gene: COG1 (component of oligomeric golgi complex 1; plus strand). Cytogenetic location: 17q25.1.
Variant type: single nucleotide variant.
Coding change: c.505G>A on transcript NM_018714.3 (MANE Select); coding-DNA position 505, G replaced by A.
Protein change: p.Val169Ile; replaces valine 169 with isoleucine.
Molecular consequence: missense variant.
Genome position (GRCh38, 1-based): chr17:73,196,696, G>A. VCF-style: chr17-73196696-G-A. GRCh37 (hg19) VCF-style: chr17-71192835-G-A.
Other names: short protein forms V169I.
Identifiers: ClinVar variation 1393385 (VCV001393385.3), dbSNP rs761121843, ClinGen allele CA8739975.